The following is an entry in ClinVar:

NM_006939.4(SOS2):c.346-3C>T

Gene: SOS2 (SOS Ras/Rho guanine nucleotide exchange factor 2; minus strand). Cytogenetic location: 14q21.3.
Variant type: single nucleotide variant.
Coding change: c.346-3C>T on transcript NM_006939.4 (MANE Select); 3 bases into the intron before coding-DNA position 346, C replaced by T.
Molecular consequence: intron variant.
Genome position (GRCh38, 1-based): chr14:50,199,858, G>A on the plus strand (C>T on the coding strand, the complement: SOS2 is on the minus strand). VCF-style: chr14-50199858-G-A. GRCh37 (hg19) VCF-style: chr14-50666576-G-A.
Identifiers: ClinVar variation 935354 (VCV000935354.10), dbSNP rs758131262, ClinGen allele CA7177538.
Genomic context (GRCh38, chr14:50,199,858, plus strand): 5'-CTAGTACAGCCACAATATATAGGGATACATGGTAGTCCACTTTGTACCCTAATACTTCCT[G>A]TGAAAAGAATAAATAATTTAATTGCAAAATGTAGCACTGTCAAGTATTACACACTTAAAA-3'

ClinVar aggregate classification (germline): Uncertain significance. Review status: criteria provided, multiple submitters, no conflicts (2 of 4 stars). 2 submissions from 2 submitters: Uncertain significance (2). Last evaluated 2025-05-27.

Conditions:
Cardiovascular phenotype. Identifiers: MedGen CN230736.
Noonan syndrome 9 (NS9). Identifiers: Orphanet 648, MedGen C4225282, MONDO:0014691, OMIM 616559.

Allele frequency attached by ClinVar (database versions not stated): ExAC 0.00001; gnomAD exomes 0.00001 and 0.00002.
gnomAD v4.1: 20 of 1,543,480 alleles (0.0013%); highest among the groups gnomAD compares: Non-Finnish European, 0.0018%; no homozygotes.

Submissions (2):

Labcorp Genetics (formerly Invitae), Labcorp
Classification: Uncertain significance for Noonan syndrome 9. Last evaluated: 2025-05-27. Review status: criteria provided, single submitter. Criteria: Invitae Variant Classification Sherloc (09022015). Collection method: clinical testing. Allele origin: germline.
Comment: This sequence change falls in intron 3 of the SOS2 gene. It does not directly change the encoded amino acid sequence of the SOS2 protein. It affects a nucleotide within the consensus splice site. This variant is present in population databases (rs758131262, gnomAD 0.002%). This variant has not been reported in the literature in individuals affected with SOS2-related conditions. ClinVar contains an entry for this variant (Variation ID: 935354). Variants that disrupt the consensus splice site are a relatively common cause of aberrant splicing (PMID: 17576681, 9536098). Algorithms developed to predict the effect of sequence changes on RNA splicing suggest that this variant is not likely to affect RNA splicing. In summary, the available evidence is currently insufficient to determine the role of this variant in disease. Therefore, it has been classified as a Variant of Uncertain Significance.

Ambry Genetics
Classification: Uncertain significance for Cardiovascular phenotype. Last evaluated: 2024-04-09. Review status: criteria provided, single submitter. Criteria: Ambry Variant Classification Scheme 2023. Collection method: clinical testing. Allele origin: germline.
Comment: The c.346-3C>T intronic variant results from a C to T substitution 3 nucleotides upstream from coding exon 4 in the SOS2 gene. This nucleotide position is well conserved in available vertebrate species. In silico splice site analysis predicts that this alteration will not have any significant effect on splicing. Based on the available evidence, the clinical significance of this variant remains unclear.

Literature cited by the submitters: PubMed 17576681 (cited by Labcorp Genetics (formerly Invitae), Labcorp); PubMed 9536098 (cited by Labcorp Genetics (formerly Invitae), Labcorp).